The following is an entry in ClinVar:

ClinVar aggregate classification (germline): Uncertain significance (1 of 4 stars; one submission).

Allele frequency attached by ClinVar (database versions not stated): gnomAD exomes below 0.00001; ExAC 0.00001; ESP Exome Variant Server 0.00008.

Submission:

Labcorp Genetics (formerly Invitae), Labcorp
Classification: Uncertain significance. Last evaluated: 2021-11-14. Review status: criteria provided, single submitter. Criteria: Invitae Variant Classification Sherloc (09022015). Collection method: clinical testing. Allele origin: germline.
Comment: In summary, the available evidence is currently insufficient to determine the role of this variant in disease. Therefore, it has been classified as a Variant of Uncertain Significance. Experimental studies and prediction algorithms are not available or were not evaluated, and the functional significance of this variant is currently unknown. This variant has not been reported in the literature in individuals affected with ARMC9-related conditions. This variant is present in population databases (rs149241883, gnomAD 0.007%). This sequence change replaces aspartic acid, which is acidic and polar, with glycine, which is neutral and non-polar, at codon 647 of the ARMC9 protein (p.Asp647Gly).

NM_001352754.2(ARMC9):c.1940A>G (p.Asp647Gly)

Gene: ARMC9 (armadillo repeat containing 9; plus strand). Cytogenetic location: 2q37.1.
Variant type: single nucleotide variant.
Coding change: c.1940A>G on transcript NM_001352754.2 (MANE Select); coding-DNA position 1940, A replaced by G.
Protein change: p.Asp647Gly; replaces aspartic acid 647 with glycine.
Molecular consequence: missense variant. On other transcripts: non-coding transcript variant (1).
Genome position (GRCh38, 1-based): chr2:231,345,036, A>G. VCF-style: chr2-231345036-A-G. GRCh37 (hg19) VCF-style: chr2-232209748-A-G.
Other names: c.1940A>G, p.Asp647Gly (NM_001271466.4, NM_001291656.2, NM_001352755.2 and 2 more transcripts); c.1841A>G, p.Asp614Gly (NM_001352757.2, NM_001352758.2); c.1835A>G, p.Asp612Gly (NM_001352759.2); short protein forms D612G, D614G, D647G.
Identifiers: ClinVar variation 1473429 (VCV001473429.6), dbSNP rs149241883, ClinGen allele CA2160546.